The following is an entry in ClinVar:

NM_000282.4(PCCA):c.1117A>G (p.Met373Val)

Gene: PCCA (propionyl-CoA carboxylase subunit alpha; plus strand). Cytogenetic location: 13q32.3.
Variant type: single nucleotide variant.
Coding change: c.1117A>G on transcript NM_000282.4 (MANE Select); coding-DNA position 1117, A replaced by G.
Protein change: p.Met373Val; replaces methionine 373 with valine.
Molecular consequence: missense variant. On other transcripts: non-coding transcript variant (5), intron variant (3).
Genome position (GRCh38, 1-based): chr13:100,301,511, A>G. VCF-style: chr13-100301511-A-G. GRCh37 (hg19) VCF-style: chr13-100953765-A-G.
Other names: c.1039A>G, p.Met347Val (NM_001127692.3, NM_001352607.2); c.1117A>G, p.Met373Val (NM_001178004.2, NM_001352605.2, NM_001352609.2); c.172A>G, p.Met58Val (NM_001352610.2, NM_001352611.2); c.1066-1413A>G (NM_001352606.2); c.121-1413A>G (NM_001352612.2); c.988-1413A>G (NM_001352608.2); short protein forms M58V, M373V, M347V.
Identifiers: ClinVar variation 2181243 (VCV002181243.6), dbSNP rs2066053673, ClinGen allele CA388695204.

ClinVar aggregate classification (germline): Conflicting classifications of pathogenicity. Review status: criteria provided, conflicting classifications (1 of 4 stars). 3 submissions from 3 submitters: Likely pathogenic (2); Uncertain significance (1). Last evaluated 2025-12-17.

Conditions:
Propionic acidemia (PROP). Also called: GLYCINEMIA, KETOTIC; HYPERGLYCINEMIA WITH KETOACIDOSIS AND LEUKOPENIA; KETOTIC HYPERGLYCINEMIA. Identifiers: Orphanet 35, MedGen C0268579, MONDO:0011628, OMIM 606054, HP:0003571.

Allele frequency attached by ClinVar (database versions not stated): gnomAD exomes below 0.00001.
gnomAD v4.1: 1 of 1,614,068 alleles (0.000062%); highest among the groups gnomAD compares: Admixed American, 0.0017%; no homozygotes.

Submissions (3):

Myriad Genetics, Inc.
Classification: Uncertain significance for Propionic acidemia. Last evaluated: 2025-12-17. Review status: criteria provided, single submitter. Criteria: Myriad Autosomal Dominant, Autosomal Recessive and X-Linked Classification Criteria (2023). Collection method: clinical testing. Allele origin: unknown.
Comment: NM_000282.3(PCCA):c.1117A>G(M373V) is a missense variant classified as a variant of uncertain significance in the context of PCCA-related propionic acidemia. M373V has not been observed in cases with relevant disease. Relevant functional assessments of this variant are not available in the literature. M373V has not been observed in referenced population frequency databases. In summary, there is insufficient evidence to classify NM_000282.3(PCCA):c.1117A>G(M373V) as pathogenic or benign. Please note: this variant was assessed in the context of healthy population screening.

Labcorp Genetics (formerly Invitae), Labcorp
Classification: Likely pathogenic for Propionic acidemia. Last evaluated: 2025-12-12. Review status: criteria provided, single submitter. Criteria: Invitae Variant Classification Sherloc (09022015). Collection method: clinical testing. Allele origin: germline.
Comment: This sequence change replaces methionine, which is neutral and non-polar, with valine, which is neutral and non-polar, at codon 373 of the PCCA protein (p.Met373Val). This variant is not present in population databases (gnomAD no frequency). This variant has not been reported in the literature in individuals affected with PCCA-related conditions. ClinVar contains an entry for this variant (Variation ID: 2181243). Invitae Evidence Modeling of protein sequence and biophysical properties (such as structural, functional, and spatial information, amino acid conservation, physicochemical variation, residue mobility, and thermodynamic stability) has been performed for this missense variant. However, the output from this modeling did not meet the statistical confidence thresholds required to predict the impact of this variant on PCCA protein function. This variant disrupts the p.Met373 amino acid residue in PCCA. Other variant(s) that disrupt this residue have been determined to be pathogenic (PMID: 10101253, 22033733, 33028371). This suggests that this residue is clinically significant, and that variants that disrupt this residue are likely to be disease-causing. In summary, the currently available evidence indicates that the variant is pathogenic, but additional data are needed to prove that conclusively. Therefore, this variant has been classified as Likely Pathogenic.

3billion
Classification: Likely pathogenic for Propionic acidemia. Last evaluated: 2025-03-12. Review status: criteria provided, single submitter. Criteria: ACMG Guidelines, 2015. Collection method: clinical testing. Allele origin: germline. Affected: yes.

Literature cited by the submitters: PubMed 10101253 (cited by Labcorp Genetics (formerly Invitae), Labcorp and 3billion); PubMed 22033733 (cited by Labcorp Genetics (formerly Invitae), Labcorp); PubMed 33028371 (cited by Labcorp Genetics (formerly Invitae), Labcorp).